The following is an entry in ClinVar:

ClinVar aggregate classification (germline): Uncertain significance (1 of 4 stars; one submission).

gnomAD v4.1: 4 of 1,596,004 alleles (0.00025%); highest among the groups gnomAD compares: Non-Finnish European, 0.00034%; no homozygotes.

Submissions (2):

Women's Health and Genetics/Laboratory Corporation of America, LabCorp
Classification: Uncertain significance. Last evaluated: 2025-06-11. Review status: criteria provided, single submitter. Criteria: LabCorp Variant Classification Summary - May 2015. Collection method: clinical testing. Allele origin: germline.
Comment: Variant summary: OBSL1 c.5308G>T (p.Gly1770Trp) results in a non-conservative amino acid change in the encoded protein sequence. Algorithms developed to predict the effect of missense changes on protein structure and function are either unavailable or do not agree on the potential impact of this missense change. Several computational tools predict a significant impact on normal splicing: Three predict the variant abolishes a 5' splicing donor site. However, these predictions have yet to be confirmed by functional studies. The frequency data for this variant in gnomAD is considered unreliable, as metrics indicate poor data quality at this position. To our knowledge, no occurrence of c.5308G>T in individuals affected with Three M Syndrome 2 and no experimental evidence demonstrating its impact on protein function have been reported. No submitters have cited clinical-significance assessments for this variant to ClinVar. Based on the evidence outlined above, the variant was classified as uncertain significance.

Dr. Peter K. Rogan Lab, Western University
No classification provided (evidence only). Condition: Thyroid cancer, nonmedullary, 1. Review status: no classification provided. Collection method: in vitro. Allele origin: not applicable. Functional consequence: retained intron. Not counted in ClinVar's aggregate classification.

NM_015311.3(OBSL1):c.5308G>T (p.Gly1770Trp)

Gene: OBSL1 (obscurin like cytoskeletal adaptor 1; minus strand). Cytogenetic location: 2q35.
Variant type: single nucleotide variant.
Coding change: c.5308G>T on transcript NM_015311.3 (MANE Select); coding-DNA position 5308, G replaced by T.
Protein change: p.Gly1770Trp; replaces glycine 1770 with tryptophan.
Molecular consequence: missense variant.
Genome position (GRCh38, 1-based): chr2:219,552,536, C>A on the plus strand (G>T on the coding strand, the complement: OBSL1 is on the minus strand). VCF-style: chr2-219552536-C-A. GRCh37 (hg19) VCF-style: chr2-220417258-C-A.
Other names: NC_000002.11:g.220417258C>A; short protein forms G1770W.
Identifiers: ClinVar variation 3907186 (VCV003907186.2).